The following is an entry in ClinVar:

ClinVar aggregate classification (germline): Pathogenic (1 of 4 stars; one submission).

Conditions:
Severe combined immunodeficiency due to IKK2 deficiency. Also called: Immunodeficiency 15; IMMUNODEFICIENCY 15B. Identifiers: Orphanet 397787, MedGen C4747743, MONDO:0014267, OMIM 615592.

Submission:

Labcorp Genetics (formerly Invitae), Labcorp
Classification: Pathogenic for Severe combined immunodeficiency due to IKK2 deficiency. Last evaluated: 2023-10-15. Review status: criteria provided, single submitter. Criteria: Invitae Variant Classification Sherloc (09022015). Collection method: clinical testing. Allele origin: germline.
Comment: This sequence change creates a premature translational stop signal (p.Glu706Lysfs*14) in the IKBKB gene. It is expected to result in an absent or disrupted protein product. Loss-of-function variants in IKBKB are known to be pathogenic (PMID: 24369075, 24679846). This variant is not present in population databases (gnomAD no frequency). This variant has not been reported in the literature in individuals affected with IKBKB-related conditions. Algorithms developed to predict the effect of sequence changes on RNA splicing suggest that this variant may disrupt the consensus splice site. For these reasons, this variant has been classified as Pathogenic.

Literature cited by the submitters: PubMed 24369075; PubMed 24679846.

NM_001556.3(IKBKB):c.2116del (p.Glu706fs)

Gene: IKBKB (inhibitor of nuclear factor kappa B kinase subunit beta; plus strand). Cytogenetic location: 8p11.21.
Variant type: Deletion.
Coding change: c.2116del on transcript NM_001556.3 (MANE Select); coding-DNA position 2116, one base deleted (G; older notation c.2116delG).
Protein change: p.Glu706fs; shifts the reading frame from glutamic acid 706.
Molecular consequence: frameshift variant. On other transcripts: non-coding transcript variant (3).
Genome position (GRCh38, 1-based): chr8:42,329,125, G deleted. VCF-style (leftmost placement, unchanged base first): chr8-42329124-TG-T. GRCh37 (hg19) VCF-style: chr8-42186642-TG-T.
Other names: c.1924del, p.Glu642fs (NM_001190720.3); c.1939del, p.Glu647fs (NM_001242778.2); short protein forms E647fs, E706fs, E642fs.
Identifiers: ClinVar variation 2768865 (VCV002768865.3), dbSNP rs2487810076, ClinGen allele CA2697549908.
Genomic context (GRCh38, chr8:42,329,124, plus strand): 5'-CAGTGTTAGCTCTGATAACTAATAATGACCACTTTCTAATAATTTGATCATTTTCTTTAG[TG>T]AAGAACTGGTGGCTGAAGCACATAACCTCTGCACCCTGCTAGAAAATGCCATACAGGACA-3'